The following is an entry in ClinVar:

NM_182493.3(MYLK3):c.1569-26_1569-1del

Gene: MYLK3 (myosin light chain kinase 3; minus strand). Cytogenetic location: 16q11.2.
Variant type: Deletion.
Coding change: c.1569-26_1569-1del on transcript NM_182493.3 (MANE Select); 26 bases into the intron before coding-DNA position 1569 through the canonical splice acceptor site of the intron before coding-DNA position 1569, 26 bases deleted (CCTGCCGTGTGGCTATGTCTCTGCAG).
Molecular consequence: splice acceptor variant.
Genome position (GRCh38, 1-based): chr16:46,729,688-46,729,713, CTGCAGAGACATAGCCACACGGCAGG deleted on the plus strand (CCTGCCGTGTGGCTATGTCTCTGCAG on the coding strand, the reverse complement: MYLK3 is on the minus strand); deleting any 26 consecutive bases within chr16:46,729,688-46,729,716 gives the same sequence; the c. name uses the placement nearest the transcript's 3' end. VCF-style (leftmost placement, unchanged base first): chr16-46729687-CCTGCAGAGACATAGCCACACGGCAGG-C. GRCh37 (hg19) VCF-style: chr16-46763599-CCTGCAGAGACATAGCCACACGGCAGG-C.
Other names: c.546-26_546-1del (NM_001308301.1).
Identifiers: ClinVar variation 4704128 (VCV004704128.1).

ClinVar aggregate classification (germline): Uncertain significance (1 of 4 stars; one submission).

Submission:

Labcorp Genetics (formerly Invitae), Labcorp
Classification: Uncertain significance. Last evaluated: 2025-08-25. Review status: criteria provided, single submitter. Criteria: Invitae Variant Classification Sherloc (09022015). Collection method: clinical testing. Allele origin: germline.
Comment: This sequence change falls in intron 5 of the MYLK3 gene. It does not directly change the encoded amino acid sequence of the MYLK3 protein. It affects a nucleotide within the consensus splice site. This variant is not present in population databases (gnomAD no frequency). This variant has not been reported in the literature in individuals affected with MYLK3-related conditions. Variants that disrupt the consensus splice site are a relatively common cause of aberrant splicing (PMID: 17576681, 9536098). Experimental studies and prediction algorithms are not available or were not evaluated, and the effect of this variant on mRNA splicing is currently unknown. In summary, the available evidence is currently insufficient to determine the role of this variant in disease. Therefore, it has been classified as a Variant of Uncertain Significance.

Literature cited by the submitters: PubMed 17576681; PubMed 9536098.